The following is an entry in ClinVar:

ClinVar aggregate classification (germline): Uncertain significance. Review status: criteria provided, multiple submitters, no conflicts (2 of 4 stars). 4 submissions from 4 submitters: Uncertain significance (4). Last evaluated 2025-08-14.

Conditions:
Autosomal dominant limb-girdle muscular dystrophy type 1F (LGMDD2). Also called: Limb-girdle muscular dystrophy, type 1F; MUSCULAR DYSTROPHY, LIMB-GIRDLE, AUTOSOMAL DOMINANT 2. Identifiers: Orphanet 55595, MedGen C1842062, MONDO:0012034, OMIM 608423.
Inborn genetic diseases. Identifiers: MedGen C0950123, MeSH D030342.

Allele frequency attached by ClinVar (database versions not stated): ExAC 0.00002; gnomAD exomes 0.00003 and 0.00005; gnomAD 0.00005; TOPMed 0.00005; ESP Exome Variant Server 0.00008.

Submissions (4):

Ambry Genetics
Classification: Uncertain significance for Inborn genetic diseases. Last evaluated: 2025-08-14. Review status: criteria provided, single submitter. Criteria: Ambry Variant Classification Scheme 2023. Collection method: clinical testing. Allele origin: germline.

Labcorp Genetics (formerly Invitae), Labcorp
Classification: Uncertain significance for Autosomal dominant limb-girdle muscular dystrophy type 1F. Last evaluated: 2025-03-21. Review status: criteria provided, single submitter. Criteria: Invitae Variant Classification Sherloc (09022015). Collection method: clinical testing. Allele origin: germline.
Comment: This sequence change replaces asparagine, which is neutral and polar, with serine, which is neutral and polar, at codon 456 of the TNPO3 protein (p.Asn456Ser). This variant is present in population databases (rs371704560, gnomAD 0.006%). This variant has not been reported in the literature in individuals affected with TNPO3-related conditions. ClinVar contains an entry for this variant (Variation ID: 285167). Invitae Evidence Modeling of protein sequence and biophysical properties (such as structural, functional, and spatial information, amino acid conservation, physicochemical variation, residue mobility, and thermodynamic stability) indicates that this missense variant is not expected to disrupt TNPO3 protein function with a negative predictive value of 80%. In summary, the available evidence is currently insufficient to determine the role of this variant in disease. Therefore, it has been classified as a Variant of Uncertain Significance.

Blueprint Genetics
Classification: Uncertain significance. Last evaluated: 2020-10-07. Review status: criteria provided, single submitter. Criteria: ACMG Guidelines, 2015. Collection method: clinical testing. Allele origin: germline.

Eurofins Ntd Llc (ga)
Classification: Uncertain significance. Last evaluated: 2015-11-30. Review status: criteria provided, single submitter. Criteria: EGL Classification Definitions 2015. Collection method: clinical testing. Allele origin: germline. Observed: 1 variant allele, 1 heterozygote.

NM_012470.4(TNPO3):c.1367A>G (p.Asn456Ser)

Gene: TNPO3 (transportin 3; minus strand). Cytogenetic location: 7q32.1.
Variant type: single nucleotide variant.
Coding change: c.1367A>G on transcript NM_012470.4 (MANE Select); coding-DNA position 1367, A replaced by G.
Protein change: p.Asn456Ser; replaces asparagine 456 with serine.
Molecular consequence: missense variant. On other transcripts: non-coding transcript variant (18).
Genome position (GRCh38, 1-based): chr7:128,990,092, T>C on the plus strand (A>G on the coding strand, the complement: TNPO3 is on the minus strand). VCF-style: chr7-128990092-T-C. GRCh37 (hg19) VCF-style: chr7-128630146-T-C.
Other names: c.1367A>G, p.Asn456Ser (NM_001191028.3, NM_001382218.1, NM_001382220.1 and 1 more transcripts); c.1469A>G, p.Asn490Ser (NM_001382216.1); c.1448A>G, p.Asn483Ser (NM_001382217.1); c.1259A>G, p.Asn420Ser (NM_001382219.1); c.1223A>G, p.Asn408Ser (NM_001382221.1); c.1220A>G, p.Asn407Ser (NM_001382222.1); c.1367A>G (NM_012470.3); short protein forms N456S, N407S, N408S, N420S, N483S, N490S.
Identifiers: ClinVar variation 285167 (VCV000285167.16), dbSNP rs371704560, ClinGen allele CA4478145.